The following is an entry in ClinVar:

NM_004655.4(AXIN2):c.2022C>T (p.Pro674=)

Gene: AXIN2 (axin 2; minus strand). Cytogenetic location: 17q24.1.
Variant type: single nucleotide variant.
Coding change: c.2022C>T on transcript NM_004655.4 (MANE Select); coding-DNA position 2022, C replaced by T.
Protein change: p.Pro674=; no amino-acid change (proline 674 retained).
Molecular consequence: synonymous variant.
Genome position (GRCh38, 1-based): chr17:65,536,439, G>A on the plus strand (C>T on the coding strand, the complement: AXIN2 is on the minus strand). VCF-style: chr17-65536439-G-A. GRCh37 (hg19) VCF-style: chr17-63532557-G-A.
Other names: c.1827C>T, p.Pro609= (NM_001363813.1).
Identifiers: ClinVar variation 1622367 (VCV001622367.11), dbSNP rs556551269, ClinGen allele CA501690949.

ClinVar aggregate classification (germline): Benign/Likely benign. Review status: criteria provided, multiple submitters, no conflicts (2 of 4 stars). 3 submissions from 3 submitters: Benign (1); Likely benign (2). Last evaluated 2024-07-09.

Conditions:
Hereditary cancer-predisposing syndrome. Also called: Hereditary Cancer Syndrome; Neoplastic Syndromes, Hereditary; Hereditary neoplastic syndrome; Tumor predisposition. Identifiers: Orphanet 140162, MedGen C0027672, MeSH D009386, MONDO:0015356.
Oligodontia-cancer predisposition syndrome. Also called: TOOTH AGENESIS-COLORECTAL CANCER SYNDROME. Identifiers: Orphanet 300576, MedGen C1837750, MONDO:0012075, OMIM 608615. Disease mechanism: loss of function.

Allele frequency attached by ClinVar (database versions not stated): gnomAD exomes below 0.00001.
gnomAD v4.1: 2 of 1,601,504 alleles (0.00012%); highest among the groups gnomAD compares: Non-Finnish European, 0.00017%; no homozygotes.

Submissions (3):

Myriad Genetics, Inc.
Classification: Benign for Oligodontia-cancer predisposition syndrome. Last evaluated: 2024-07-09. Review status: criteria provided, single submitter. Criteria: Myriad Autosomal Dominant, Autosomal Recessive and X-Linked Classification Criteria (2023). Collection method: clinical testing. Allele origin: unknown.
Comment: This variant is considered benign. This variant is a silent/synonymous amino acid change and it is not expected to impact splicing.

Labcorp Genetics (formerly Invitae), Labcorp
Classification: Likely benign for Oligodontia-cancer predisposition syndrome. Last evaluated: 2023-08-30. Review status: criteria provided, single submitter. Criteria: Invitae Variant Classification Sherloc (09022015). Collection method: clinical testing. Allele origin: germline.

Ambry Genetics
Classification: Likely benign for Hereditary cancer-predisposing syndrome. Last evaluated: 2021-11-01. Review status: criteria provided, single submitter. Criteria: Ambry Variant Classification Scheme 2023. Collection method: clinical testing. Allele origin: germline.